The following is an entry in ClinVar:

NM_002528.7(NTHL1):c.116-16G>A

Gene: NTHL1 (nth like DNA glycosylase 1; minus strand). Cytogenetic location: 16p13.3.
Variant type: single nucleotide variant.
Coding change: c.116-16G>A on transcript NM_002528.7 (MANE Select); 16 bases into the intron before coding-DNA position 116, G replaced by A.
Molecular consequence: intron variant.
Genome position (GRCh38, 1-based): chr16:2,046,382, C>T on the plus strand (G>A on the coding strand, the complement: NTHL1 is on the minus strand). VCF-style: chr16-2046382-C-T. GRCh37 (hg19) VCF-style: chr16-2096383-C-T.
Other names: c.-63-16G>A (NM_001318194.2); c.116-16G>A (NM_001318193.2).
Identifiers: ClinVar variation 1541287 (VCV001541287.19), dbSNP rs145790217, ClinGen allele CA7828366.
Genomic context (GRCh38, chr16:2,046,382, plus strand): 5'-GTGCTTTCCGCGGACGCTTCACGGGGCTGTGGCTTTTCCTCGCTTCTGCAAAAAGCACCA[C>T]GCAGTCCCTCTGGTGGGGCCACAGGTGAAGGTAGGGTAGGGGTGCCATCCCGCCTGCTAG-3'

ClinVar aggregate classification (germline): Conflicting classifications of pathogenicity. Review status: criteria provided, conflicting classifications (1 of 4 stars). 5 submissions from 5 submitters: Uncertain significance (1); Likely benign (4). Last evaluated 2026-02-04.

Conditions:
Hereditary cancer-predisposing syndrome. Also called: Neoplastic Syndromes, Hereditary; Hereditary Cancer Syndrome; Tumor predisposition; Hereditary neoplastic syndrome. Identifiers: Orphanet 140162, MedGen C0027672, MeSH D009386, MONDO:0015356.

Allele frequency attached by ClinVar (database versions not stated): gnomAD 0.00033 and 0.00038; TOPMed 0.00042; gnomAD exomes 0.00045 and 0.00061; ESP Exome Variant Server 0.00046; ExAC 0.00062; 1000 Genomes Project 30x 0.00078; 1000 Genomes Project 0.00080.
gnomAD v4.1: 724 of 1,600,050 alleles (0.045%); highest among the groups gnomAD compares: Middle Eastern, 0.9%; 2 homozygotes.

Submissions (5):

Labcorp Genetics (formerly Invitae), Labcorp
Classification: Likely benign. Last evaluated: 2026-02-04. Review status: criteria provided, single submitter. Criteria: Invitae Variant Classification Sherloc (09022015). Collection method: clinical testing. Allele origin: germline.

Center for Genomic Medicine, Rigshospitalet, Copenhagen University Hospital
Classification: Likely benign. Last evaluated: 2025-03-04. Review status: criteria provided, single submitter. Criteria: ACMG Guidelines, 2015. Collection method: clinical testing. Allele origin: germline.

Molecular Diagnostics Laboratory, Catalan Institute of Oncology
Classification: Uncertain significance for Hereditary cancer-predisposing syndrome. Last evaluated: 2024-12-19. Review status: criteria provided, single submitter. Criteria: ACMG Guidelines, 2015. Collection method: clinical testing. Allele origin: germline.
Comment: BP4 NTHL1 c.140-16G>A (NM_002528.6), c.116-16G>A (NM_002528.7) is an intronic variant located close to a canonical splice site. This variant is found in 149/263486 alleles at a frequency of 0.0565% in the gnomAD v2.1.1 database, non-cancer dataset. The SpliceAI algorithm predicts no significant impact on splicing (BP4). To our knowledge, neither relevant clinical data nor well-stablished functional studies have been reported for this variant. It has been reported in the ClinVar database (3x likely benign) but it has not been identified in LOVD database. Based on the currently available information, c.140-16G>A is classified as an uncertain significance variant according to ACMG guidelines.

Blueprint Genetics
Classification: Likely benign. Last evaluated: 2024-11-27. Review status: criteria provided, single submitter. Criteria: ACMG Guidelines, 2015. Collection method: clinical testing. Allele origin: germline.

Breakthrough Genomics
Classification: Likely benign. Review status: criteria provided, single submitter. Criteria: ACMG Guidelines, 2015. Collection method: not provided. Allele origin: germline. Inheritance: Autosomal recessive inheritance. Affected: yes.